The following is an entry in ClinVar:

NM_182914.3(SYNE2):c.113C>T (p.Thr38Met)

Gene: SYNE2 (spectrin repeat containing nuclear envelope protein 2; plus strand). Cytogenetic location: 14q23.2.
Variant type: single nucleotide variant.
Coding change: c.113C>T on transcript NM_182914.3 (MANE Select); coding-DNA position 113, C replaced by T.
Protein change: p.Thr38Met; replaces threonine 38 with methionine.
Molecular consequence: missense variant.
Genome position (GRCh38, 1-based): chr14:63,940,647, C>T. VCF-style: chr14-63940647-C-T. GRCh37 (hg19) VCF-style: chr14-64407365-C-T.
Other names: c.113C>T, p.Thr38Met (NM_015180.6); short protein forms T38M.
Identifiers: ClinVar variation 2721227 (VCV002721227.3), dbSNP rs754068232, ClinGen allele CA7219004.

ClinVar aggregate classification (germline): Uncertain significance (1 of 4 stars; one submission).

Conditions:
Emery-Dreifuss muscular dystrophy 5, autosomal dominant (EDMD5). Also called: EMERY-DREIFUSS MUSCULAR DYSTROPHY 5. Identifiers: Orphanet 261, MedGen C2751805, MONDO:0013072, OMIM 612999.

Allele frequency attached by ClinVar (database versions not stated): gnomAD exomes below 0.00001; ExAC 0.00002.
gnomAD v4.1: 7 of 1,614,104 alleles (0.00043%); highest among the groups gnomAD compares: East Asian, 0.0045%; no homozygotes.

Submission:

Labcorp Genetics (formerly Invitae), Labcorp
Classification: Uncertain significance for Emery-Dreifuss muscular dystrophy 5, autosomal dominant. Last evaluated: 2024-09-19. Review status: criteria provided, single submitter. Criteria: Invitae Variant Classification Sherloc (09022015). Collection method: clinical testing. Allele origin: germline.
Comment: This sequence change replaces threonine, which is neutral and polar, with methionine, which is neutral and non-polar, at codon 38 of the SYNE2 protein (p.Thr38Met). This variant is present in population databases (rs754068232, gnomAD 0.006%). This variant has not been reported in the literature in individuals affected with SYNE2-related conditions. An algorithm developed to predict the effect of missense changes on protein structure and function (PolyPhen-2) suggests that this variant is likely to be disruptive. In summary, the available evidence is currently insufficient to determine the role of this variant in disease. Therefore, it has been classified as a Variant of Uncertain Significance.